The following is an entry in ClinVar:

ClinVar aggregate classification (germline): Uncertain significance (1 of 4 stars; one submission).

Conditions:
Neuronal ceroid lipofuscinosis. Also called: Neuronal Ceroid Lipofuscinoses. Identifiers: Orphanet 216, Orphanet 79263, MedGen C0027877, MONDO:0016295. Disease mechanism: loss of function.

Submission:

Labcorp Genetics (formerly Invitae), Labcorp
Classification: Uncertain significance for Neuronal ceroid lipofuscinosis. Last evaluated: 2020-09-07. Review status: criteria provided, single submitter. Criteria: Invitae Variant Classification Sherloc (09022015). Collection method: clinical testing. Allele origin: germline.
Comment: This sequence change replaces alanine with glycine at codon 410 of the CTSD protein (p.Ala410Gly). The alanine residue is weakly conserved and there is a small physicochemical difference between alanine and glycine. This variant is not present in population databases (ExAC no frequency). This variant has not been reported in the literature in individuals with CTSD-related conditions. Algorithms developed to predict the effect of missense changes on protein structure and function are either unavailable or do not agree on the potential impact of this missense change (SIFT: "Deleterious"; PolyPhen-2: "Benign"; Align-GVGD: "Class C0"). In summary, the available evidence is currently insufficient to determine the role of this variant in disease. Therefore, it has been classified as a Variant of Uncertain Significance.

NM_001909.5(CTSD):c.1229C>G (p.Ala410Gly)

Gene: CTSD (cathepsin D; minus strand). Cytogenetic location: 11p15.5.
Variant type: single nucleotide variant.
Coding change: c.1229C>G on transcript NM_001909.5 (MANE Select); coding-DNA position 1229, C replaced by G.
Protein change: p.Ala410Gly; replaces alanine 410 with glycine.
Molecular consequence: missense variant.
Genome position (GRCh38, 1-based): chr11:1,753,513, G>C on the plus strand (C>G on the coding strand, the complement: CTSD is on the minus strand). VCF-style: chr11-1753513-G-C. GRCh37 (hg19) VCF-style: chr11-1774743-G-C.
Other names: short protein forms A410G.
Identifiers: ClinVar variation 1016374 (VCV001016374.8), dbSNP rs1845753565, ClinGen allele CA379092320.